The following is an entry in ClinVar:

ClinVar aggregate classification (germline): Uncertain significance (1 of 4 stars; one submission).

Conditions:
Cardiovascular phenotype. Identifiers: MedGen CN230736.
Hereditary cancer-predisposing syndrome. Also called: Tumor predisposition; Neoplastic Syndromes, Hereditary; Hereditary Cancer Syndrome; Hereditary neoplastic syndrome. Identifiers: Orphanet 140162, MedGen C0027672, MeSH D009386, MONDO:0015356.

Submission:

Ambry Genetics
Classification: Uncertain significance for Cardiovascular phenotype; Hereditary cancer-predisposing syndrome. Last evaluated: 2025-02-12. Review status: criteria provided, single submitter. Criteria: Ambry Variant Classification Scheme 2023. Collection method: clinical testing. Allele origin: germline.
Comment: The p.V132G variant (also known as c.395T>G), located in coding exon 4 of the LZTR1 gene, results from a T to G substitution at nucleotide position 395. The valine at codon 132 is replaced by glycine, an amino acid with dissimilar properties. This amino acid position is conserved. In addition, this alteration is predicted to be deleterious by in silico analysis. Based on the available evidence, the clinical significance of this variant remains unclear.

NM_006767.4(LZTR1):c.395T>G (p.Val132Gly)

Gene: LZTR1 (leucine zipper like post translational regulator 1; plus strand). Cytogenetic location: 22q11.21.
Variant type: single nucleotide variant.
Coding change: c.395T>G on transcript NM_006767.4 (MANE Select); coding-DNA position 395, T replaced by G.
Protein change: p.Val132Gly; replaces valine 132 with glycine.
Molecular consequence: missense variant.
Genome position (GRCh38, 1-based): chr22:20,987,578, T>G. VCF-style: chr22-20987578-T-G. GRCh37 (hg19) VCF-style: chr22-21341867-T-G.
Other names: short protein forms V132G.
Identifiers: ClinVar variation 3869327 (VCV003869327.1).